The following is an entry in ClinVar:

ClinVar aggregate classification (germline): Uncertain significance (1 of 4 stars; one submission).

Conditions:
Congenital myasthenic syndrome 8. Also called: Myasthenic syndrome, congenital, 8, with pre- and postsynaptic defects; MYASTHENIC SYNDROME, CONGENITAL, DUE TO AGRIN DEFICIENCY. Identifiers: Orphanet 590, MedGen C3808739, MONDO:0014052, OMIM 615120.

Allele frequency attached by ClinVar (database versions not stated): gnomAD 0.00001.

Submission:

Labcorp Genetics (formerly Invitae), Labcorp
Classification: Uncertain significance for Congenital myasthenic syndrome 8. Last evaluated: 2021-10-07. Review status: criteria provided, single submitter. Criteria: Invitae Variant Classification Sherloc (09022015). Collection method: clinical testing. Allele origin: germline.
Comment: This sequence change replaces leucine with valine at codon 1790 of the AGRN protein (p.Leu1790Val). The leucine residue is moderately conserved and there is a small physicochemical difference between leucine and valine. This variant is not present in population databases (ExAC no frequency). This variant has not been reported in the literature in individuals affected with AGRN-related conditions. Algorithms developed to predict the effect of missense changes on protein structure and function (SIFT, PolyPhen-2, Align-GVGD) all suggest that this variant is likely to be tolerated. Algorithms developed to predict the effect of sequence changes on RNA splicing suggest that this variant may create or strengthen a splice site. In summary, the available evidence is currently insufficient to determine the role of this variant in disease. Therefore, it has been classified as a Variant of Uncertain Significance.

NM_198576.4(AGRN):c.5368C>G (p.Leu1790Val)

Gene: AGRN (agrin; plus strand). Cytogenetic location: 1p36.33.
Variant type: single nucleotide variant.
Coding change: c.5368C>G on transcript NM_198576.4 (MANE Select); coding-DNA position 5368, C replaced by G.
Protein change: p.Leu1790Val; replaces leucine 1790 with valine.
Molecular consequence: missense variant.
Genome position (GRCh38, 1-based): chr1:1,051,367, C>G. VCF-style: chr1-1051367-C-G. GRCh37 (hg19) VCF-style: chr1-986747-C-G.
Other names: c.5380C>G, p.Leu1794Val (NM_001305275.2); c.5065C>G, p.Leu1689Val (NM_001364727.2); short protein forms L1794V, L1689V, L1790V.
Identifiers: ClinVar variation 1436558 (VCV001436558.3), dbSNP rs1339779014, ClinGen allele CA337781402.